The following is an entry in ClinVar:

NM_000535.7(PMS2):c.478C>A (p.Gln160Lys)

Gene: PMS2 (PMS1 homolog 2, mismatch repair system component; minus strand). Cytogenetic location: 7p22.1.
Variant type: single nucleotide variant.
Coding change: c.478C>A on transcript NM_000535.7 (MANE Select); coding-DNA position 478, C replaced by A.
Protein change: p.Gln160Lys; replaces glutamine 160 with lysine.
Molecular consequence: missense variant. On other transcripts: non-coding transcript variant (1), 5 prime UTR variant (2).
Genome position (GRCh38, 1-based): chr7:6,002,512, G>T on the plus strand (C>A on the coding strand, the complement: PMS2 is on the minus strand). VCF-style: chr7-6002512-G-T. GRCh37 (hg19) VCF-style: chr7-6042143-G-T.
Other names: c.478C>A (NM_000535.5); c.169C>A, p.Gln57Lys (NM_001322015.2); c.73C>A, p.Gln25Lys (NM_001322003.2, NM_001322004.2, NM_001322005.2 and 3 more transcripts); c.478C>A, p.Gln160Lys (NM_001322006.2, NM_001322014.2); c.160C>A, p.Gln54Lys (NM_001322007.2, NM_001322008.2); c.-407C>A (NM_001322011.2, NM_001322012.2); short protein forms Q160K, Q57K, Q25K, Q54K.
Identifiers: ClinVar variation 1041068 (VCV001041068.9), dbSNP rs36038802, ClinGen allele CA153245146.

ClinVar aggregate classification (germline): Uncertain significance. Review status: criteria provided, multiple submitters, no conflicts (2 of 4 stars). 2 submissions from 2 submitters: Uncertain significance (2). Last evaluated 2026-06-30.

Conditions:
Hereditary cancer-predisposing syndrome. Also called: Tumor predisposition; Hereditary Cancer Syndrome; Hereditary neoplastic syndrome; Neoplastic Syndromes, Hereditary. Identifiers: Orphanet 140162, MedGen C0027672, MeSH D009386, MONDO:0015356.
Hereditary nonpolyposis colorectal neoplasms. Identifiers: MedGen C0009405, MeSH D003123.

Submissions (2):

Ambry Genetics
Classification: Uncertain significance for Hereditary cancer-predisposing syndrome. Last evaluated: 2026-06-30. Review status: criteria provided, single submitter. Criteria: Ambry Variant Classification Scheme 2023. Collection method: clinical testing. Allele origin: germline.
Comment: The p.Q160K variant (also known as c.478C>A), located in coding exon 5 of the PMS2 gene, results from a C to A substitution at nucleotide position 478. The glutamine at codon 160 is replaced by lysine, an amino acid with similar properties. This amino acid position is highly conserved in available vertebrate species. In addition, the in silico prediction for this alteration is inconclusive. Based on the available evidence, the clinical significance of this variant remains unclear.

Labcorp Genetics (formerly Invitae), Labcorp
Classification: Uncertain significance for Hereditary nonpolyposis colorectal neoplasms. Last evaluated: 2020-06-12. Review status: criteria provided, single submitter. Criteria: Invitae Variant Classification Sherloc (09022015). Collection method: clinical testing. Allele origin: germline.
Comment: In summary, the available evidence is currently insufficient to determine the role of this variant in disease. Therefore, it has been classified as a Variant of Uncertain Significance. Algorithms developed to predict the effect of missense changes on protein structure and function are either unavailable or do not agree on the potential impact of this missense change (SIFT: "Tolerated"; PolyPhen-2: "Possibly Damaging"; Align-GVGD: "Class C0"). This variant has been observed in individual(s) with clinical features of Lynch syndrome (PMID: 20698049). This variant is not present in population databases (ExAC no frequency). This sequence change replaces glutamine with lysine at codon 160 of the PMS2 protein (p.Gln160Lys). The glutamine residue is moderately conserved and there is a small physicochemical difference between glutamine and lysine.

Literature cited by the submitters: PubMed 20698049 (cited by Labcorp Genetics (formerly Invitae), Labcorp).